The following is an entry in ClinVar:

ClinVar aggregate classification (germline): Benign/Likely benign. Review status: criteria provided, multiple submitters, no conflicts (2 of 4 stars). 2 submissions from 2 submitters: Benign (1); Likely benign (1). Last evaluated 2026-01-12.

Conditions:
Congenital contractural arachnodactyly (CCA). Also called: BEALS SYNDROME; Arthrogryposis, distal, type 9; Beals-Hecht syndrome. Identifiers: Orphanet 115, MedGen C0220668, MONDO:0007363, OMIM 121050.

Allele frequency attached by ClinVar (database versions not stated): gnomAD exomes 0.00002 and 0.00004; ExAC 0.00007; ESP Exome Variant Server 0.00008; TOPMed 0.00020; gnomAD 0.00023 and 0.00026.

Submissions (2):

Labcorp Genetics (formerly Invitae), Labcorp
Classification: Benign for Congenital contractural arachnodactyly. Last evaluated: 2026-01-12. Review status: criteria provided, single submitter. Criteria: Invitae Variant Classification Sherloc (09022015). Collection method: clinical testing. Allele origin: germline.

GeneDx
Classification: Likely benign. Last evaluated: 2018-05-08. Review status: criteria provided, single submitter. Criteria: GeneDx Variant Classification (06012015). Collection method: clinical testing. Allele origin: germline. Affected: yes.
Comment: This variant is considered likely benign or benign based on one or more of the following criteria: it is a conservative change, it occurs at a poorly conserved position in the protein, it is predicted to be benign by multiple in silico algorithms, and/or has population frequency not consistent with disease.

NM_001999.4(FBN2):c.8364+18dup

Gene: FBN2 (fibrillin 2; minus strand). Cytogenetic location: 5q23.3.
Variant type: Duplication.
Coding change: c.8364+18dup on transcript NM_001999.4 (MANE Select); 18 bases into the intron after coding-DNA position 8364, one base duplicated (T; older notation c.8364+18dupT).
Molecular consequence: intron variant.
Genome position (GRCh38, 1-based): chr5:128,261,718, A duplicated on the plus strand (T on the coding strand, the reverse complement: FBN2 is on the minus strand). VCF-style (leftmost placement, unchanged base first): chr5-128261717-C-CA. GRCh37 (hg19) VCF-style: chr5-127597409-C-CA.
Identifiers: ClinVar variation 677902 (VCV000677902.6), dbSNP rs752497923, ClinGen allele CA3393837.